The following is an entry in ClinVar:

ClinVar aggregate classification (germline): Uncertain significance (1 of 4 stars; one submission).

Allele frequency attached by ClinVar (database versions not stated): gnomAD exomes below 0.00001.
gnomAD v4.1: 6 of 1,554,256 alleles (0.00039%); highest among the groups gnomAD compares: East Asian, 0.0023%; no homozygotes.

Submission:

Labcorp Genetics (formerly Invitae), Labcorp
Classification: Uncertain significance. Last evaluated: 2022-06-11. Review status: criteria provided, single submitter. Criteria: Invitae Variant Classification Sherloc (09022015). Collection method: clinical testing. Allele origin: germline.
Comment: This sequence change replaces arginine, which is basic and polar, with cysteine, which is neutral and slightly polar, at codon 458 of the AP3B2 protein (p.Arg458Cys). The frequency data for this variant in the population databases is considered unreliable, as metrics indicate poor data quality at this position in the gnomAD database. This variant has not been reported in the literature in individuals affected with AP3B2-related conditions. Algorithms developed to predict the effect of missense changes on protein structure and function are either unavailable or do not agree on the potential impact of this missense change (SIFT: "Deleterious"; PolyPhen-2: "Probably Damaging"; Align-GVGD: "Class C15"). In summary, the available evidence is currently insufficient to determine the role of this variant in disease. Therefore, it has been classified as a Variant of Uncertain Significance.

NM_001278512.2(AP3B2):c.1372C>T (p.Arg458Cys)

Genes: AP3B2 (adaptor related protein complex 3 subunit beta 2; minus strand), CPEB1-AS1 (CPEB1 antisense RNA 1; plus strand). Cytogenetic location: 15q25.2.
Variant type: single nucleotide variant.
Coding change: c.1372C>T on transcript NM_001278512.2 (MANE Select); coding-DNA position 1372, C replaced by T.
Protein change: p.Arg458Cys; replaces arginine 458 with cysteine.
Molecular consequence: missense variant.
Genome position (GRCh38, 1-based): chr15:82,677,677, G>A on the plus strand (C>T on the coding strand, the complement: AP3B2 is on the minus strand). VCF-style: chr15-82677677-G-A. GRCh37 (hg19) VCF-style: chr15-83346429-G-A.
Other names: c.1276C>T, p.Arg426Cys (NM_001278511.2); c.1372C>T, p.Arg458Cys (NM_004644.5); short protein forms R426C, R458C.
Identifiers: ClinVar variation 2111790 (VCV002111790.1), dbSNP rs1397996908, ClinGen allele CA393316424.